The following is an entry in ClinVar:

ClinVar aggregate classification (germline): Benign/Likely benign. Review status: criteria provided, multiple submitters, no conflicts (2 of 4 stars). 5 submissions from 5 submitters: Benign (1); Likely benign (3). 1 of the submissions does not count toward it. Last evaluated 2026-01-25.

Conditions:
PRKDC-related disorder. Also called: PRKDC-related condition.
Severe combined immunodeficiency due to DNA-PKcs deficiency. Also called: Immunodeficiency 26 with or without neurologic abnormalities; IMMUNODEFICIENCY 26 WITH NEUROLOGIC ABNORMALITIES. Identifiers: Orphanet 317425, MedGen C4014833, MONDO:0014423, OMIM 615966.

Allele frequency attached by ClinVar (database versions not stated): gnomAD exomes 0.00008 and 0.00020; ExAC 0.00022; ESP Exome Variant Server 0.00058; gnomAD 0.00076 and 0.00081; TOPMed 0.00091; 1000 Genomes Project 0.00100; 1000 Genomes Project 30x 0.00109.
gnomAD v4.1: 254 of 1,613,824 alleles (0.016%); highest among the groups gnomAD compares: African/African-American, 0.27%; 1 homozygote.

Submissions (5):

Labcorp Genetics (formerly Invitae), Labcorp
Classification: Benign for Severe combined immunodeficiency due to DNA-PKcs deficiency. Last evaluated: 2026-01-25. Review status: criteria provided, single submitter. Criteria: Invitae Variant Classification Sherloc (09022015). Collection method: clinical testing. Allele origin: germline.

CeGaT Center for Human Genetics Tuebingen
Classification: Likely benign. Last evaluated: 2024-10-01. Review status: criteria provided, single submitter. Criteria: CeGaT Center For Human Genetics Tuebingen Variant Classification Criteria Version 2. Collection method: clinical testing. Allele origin: germline. Affected: yes. Observed: 1 variant allele.
Comment: PRKDC: BP4, BP7

Blueprint Genetics
Classification: Likely benign. Last evaluated: 2024-05-27. Review status: criteria provided, single submitter. Criteria: ACMG Guidelines, 2015. Collection method: clinical testing. Allele origin: germline.

Ambry Genetics
Classification: Likely benign. Last evaluated: 2022-02-12. Review status: criteria provided, single submitter. Criteria: Ambry Variant Classification Scheme 2023. Collection method: clinical testing. Allele origin: germline.

PreventionGenetics, part of Exact Sciences
Classification: Likely benign for PRKDC-related condition. Last evaluated: 2020-03-03. Review status: no assertion criteria provided. Collection method: clinical testing. Allele origin: germline. Not counted in ClinVar's aggregate classification.
Comment: This variant is classified as likely benign based on ACMG/AMP sequence variant interpretation guidelines (Richards et al. 2015 PMID: 25741868, with internal and published modifications).

NM_006904.7(PRKDC):c.1539A>G (p.Glu513=)

Gene: PRKDC (protein kinase, DNA-activated, catalytic subunit; minus strand). Cytogenetic location: 8q11.21.
Variant type: single nucleotide variant.
Coding change: c.1539A>G on transcript NM_006904.7 (MANE Select); coding-DNA position 1539, A replaced by G.
Protein change: p.Glu513=; no amino-acid change (glutamic acid 513 retained).
Molecular consequence: synonymous variant.
Genome position (GRCh38, 1-based): chr8:47,934,049, T>C on the plus strand (A>G on the coding strand, the complement: PRKDC is on the minus strand). VCF-style: chr8-47934049-T-C. GRCh37 (hg19) VCF-style: chr8-48846609-T-C.
Other names: c.1539A>G, p.Glu513= (NM_001081640.2).
Identifiers: ClinVar variation 732074 (VCV000732074.30), dbSNP rs182436738, ClinGen allele CA4741700.